The following is an entry in ClinVar:

NM_000501.4(ELN):c.8del (p.Gly3fs)

Gene: ELN (elastin; plus strand). Cytogenetic location: 7q11.23.
Variant type: Deletion.
Coding change: c.8del on transcript NM_000501.4 (MANE Select); coding-DNA position 8, one base deleted (G; older notation c.8delG).
Protein change: p.Gly3fs; shifts the reading frame from glycine 3.
Molecular consequence: frameshift variant.
Genome position (GRCh38, 1-based): chr7:74,028,195, G deleted; the last of 3 consecutive G bases (chr7:74,028,193-74,028,195); deleting any one gives the same sequence. VCF-style (leftmost placement, unchanged base first): chr7-74028192-CG-C. GRCh37 (hg19) VCF-style: chr7-73442522-CG-C.
Other names: c.8del, p.Gly3fs (NM_001081752.3, NM_001081753.3, NM_001081754.3 and 9 more transcripts); short protein forms G3fs.
Identifiers: ClinVar variation 1072853 (VCV001072853.9), dbSNP rs2130826217, ClinGen allele CA2499219012.

ClinVar aggregate classification (germline): Pathogenic (1 of 4 stars; one submission).

Conditions:
Supravalvar aortic stenosis (SVAS). Also called: Supravalvar aortic stenosis, Eisenberg type. Identifiers: Orphanet 3193, MedGen C0003499, MONDO:0008504, OMIM 185500, HP:0004381.

Submission:

Labcorp Genetics (formerly Invitae), Labcorp
Classification: Pathogenic for Supravalvar aortic stenosis. Last evaluated: 2024-09-30. Review status: criteria provided, single submitter. Criteria: Invitae Variant Classification Sherloc (09022015). Collection method: clinical testing. Allele origin: germline.
Comment: This sequence change creates a premature translational stop signal (p.Gly3Valfs*2) in the ELN gene. It is expected to result in an absent or disrupted protein product. Loss-of-function variants in ELN are known to be pathogenic (PMID: 11175284). This variant is not present in population databases (gnomAD no frequency). This premature translational stop signal has been observed in individual(s) with aortic and pulmonary supravalvar narrowing (PMID: 26014430). ClinVar contains an entry for this variant (Variation ID: 1072853). For these reasons, this variant has been classified as Pathogenic.

Literature cited by the submitters: PubMed 11175284; PubMed 26014430.